The following is an entry in ClinVar:

NM_001036.6(RYR3):c.10454G>A (p.Arg3485Gln)

Gene: RYR3 (ryanodine receptor 3; plus strand). Cytogenetic location: 15q14.
Variant type: single nucleotide variant.
Coding change: c.10454G>A on transcript NM_001036.6 (MANE Select); coding-DNA position 10454, G replaced by A.
Protein change: p.Arg3485Gln; replaces arginine 3485 with glutamine.
Molecular consequence: missense variant.
Genome position (GRCh38, 1-based): chr15:33,813,531, G>A. VCF-style: chr15-33813531-G-A. GRCh37 (hg19) VCF-style: chr15-34105732-G-A.
Other names: c.10439G>A, p.Arg3480Gln (NM_001243996.4); short protein forms R3485Q, R3480Q.
Identifiers: ClinVar variation 461826 (VCV000461826.7), dbSNP rs192619532, ClinGen allele CA7460842.

ClinVar aggregate classification (germline): Uncertain significance (1 of 4 stars; one submission).

Conditions:
Epileptic encephalopathy. Identifiers: MedGen C0543888, HP:0200134.

Allele frequency attached by ClinVar (database versions not stated): gnomAD exomes below 0.00001 and 0.00001; ExAC 0.00001; gnomAD 0.00001; TOPMed 0.00001; 1000 Genomes Project 0.00020; 1000 Genomes Project 30x 0.00031.
gnomAD v4.1: 13 of 1,613,960 alleles (0.00081%); highest among the groups gnomAD compares: East Asian, 0.0067%; no homozygotes.

Submission:

Labcorp Genetics (formerly Invitae), Labcorp
Classification: Uncertain significance for Epileptic encephalopathy. Last evaluated: 2022-03-23. Review status: criteria provided, single submitter. Criteria: Invitae Variant Classification Sherloc (09022015). Collection method: clinical testing. Allele origin: germline.
Comment: This sequence change replaces arginine, which is basic and polar, with glutamine, which is neutral and polar, at codon 3485 of the RYR3 protein (p.Arg3485Gln). This variant is present in population databases (rs192619532, gnomAD 0.005%). This variant has not been reported in the literature in individuals affected with RYR3-related conditions. ClinVar contains an entry for this variant (Variation ID: 461826). Algorithms developed to predict the effect of missense changes on protein structure and function are either unavailable or do not agree on the potential impact of this missense change (SIFT: "Deleterious"; PolyPhen-2: "Benign"; Align-GVGD: "Class C0"). In summary, the available evidence is currently insufficient to determine the role of this variant in disease. Therefore, it has been classified as a Variant of Uncertain Significance.